The following is an entry in ClinVar:

ClinVar aggregate classification (germline): Uncertain significance (1 of 4 stars; one submission).

Allele frequency attached by ClinVar (database versions not stated): gnomAD exomes below 0.00001.
gnomAD v4.1: 3 of 1,612,350 alleles (0.00019%); highest among the groups gnomAD compares: Non-Finnish European, 0.00025%; no homozygotes.

Submission:

Labcorp Genetics (formerly Invitae), Labcorp
Classification: Uncertain significance. Last evaluated: 2023-02-16. Review status: criteria provided, single submitter. Criteria: Invitae Variant Classification Sherloc (09022015). Collection method: clinical testing. Allele origin: germline.
Comment: This sequence change replaces glutamic acid, which is acidic and polar, with aspartic acid, which is acidic and polar, at codon 737 of the ACAN protein (p.Glu737Asp). This variant is present in population databases (rs796312782, gnomAD 0.002%). This variant has not been reported in the literature in individuals affected with ACAN-related conditions. Advanced modeling of protein sequence and biophysical properties (such as structural, functional, and spatial information, amino acid conservation, physicochemical variation, residue mobility, and thermodynamic stability) performed at Invitae indicates that this missense variant is not expected to disrupt ACAN protein function. In summary, the available evidence is currently insufficient to determine the role of this variant in disease. Therefore, it has been classified as a Variant of Uncertain Significance.

NM_001369268.1(ACAN):c.2211A>C (p.Glu737Asp)

Gene: ACAN (aggrecan; plus strand). Cytogenetic location: 15q26.1.
Variant type: single nucleotide variant.
Coding change: c.2211A>C on transcript NM_001369268.1 (MANE Select); coding-DNA position 2211, A replaced by C.
Protein change: p.Glu737Asp; replaces glutamic acid 737 with aspartic acid.
Molecular consequence: missense variant.
Genome position (GRCh38, 1-based): chr15:88,851,978, A>C. VCF-style: chr15-88851978-A-C. GRCh37 (hg19) VCF-style: chr15-89395209-A-C.
Other names: c.2211A>C, p.Glu737Asp (NM_001411097.1, NM_013227.4, NM_001135.4 and 1 more transcripts); short protein forms E737D.
Identifiers: ClinVar variation 2879570 (VCV002879570.3), dbSNP rs796312782, ClinGen allele CA274477592.